The following is an entry in ClinVar:

ClinVar aggregate classification (germline): Uncertain significance. Review status: criteria provided, multiple submitters, no conflicts (2 of 4 stars). 3 submissions from 3 submitters: Uncertain significance (3). Last evaluated 2025-01-25.

Conditions:
Hereditary cancer-predisposing syndrome. Also called: Hereditary Cancer Syndrome; Hereditary neoplastic syndrome; Neoplastic Syndromes, Hereditary; Tumor predisposition. Identifiers: Orphanet 140162, MedGen C0027672, MeSH D009386, MONDO:0015356.

Allele frequency attached by ClinVar (database versions not stated): gnomAD 0.00001; TOPMed 0.00001; gnomAD exomes 0.00002.
gnomAD v4.1: 27 of 1,613,652 alleles (0.0017%); highest among the groups gnomAD compares: African/African-American, 0.0027%; no homozygotes.

Submissions (3):

Women's Health and Genetics/Laboratory Corporation of America, LabCorp
Classification: Uncertain significance. Last evaluated: 2025-01-25. Review status: criteria provided, single submitter. Criteria: LabCorp Variant Classification Summary - May 2015. Collection method: clinical testing. Allele origin: germline.

Ambry Genetics
Classification: Uncertain significance for Hereditary cancer-predisposing syndrome. Last evaluated: 2024-11-11. Review status: criteria provided, single submitter. Criteria: Ambry Variant Classification Scheme 2023. Collection method: clinical testing. Allele origin: germline.
Comment: The p.Q702K variant (also known as c.2104C>A), located in coding exon 13 of the RAD50 gene, results from a C to A substitution at nucleotide position 2104. The glutamine at codon 702 is replaced by lysine, an amino acid with similar properties. This variant was identified in a cohort of 3,579 African males diagnosed with prostate cancer who underwent multi-gene panel testing of 19 DNA repair and cancer predisposition genes (Matejcic M et al. JCO Precis Oncol, 2020 Jan;4:32-43). This amino acid position is highly conserved in available vertebrate species. In addition, this alteration is predicted to be tolerated by in silico analysis. Based on the available evidence, the clinical significance of this variant remains unclear.

Labcorp Genetics (formerly Invitae), Labcorp
Classification: Uncertain significance for Hereditary cancer-predisposing syndrome. Last evaluated: 2024-05-21. Review status: criteria provided, single submitter. Criteria: Invitae Variant Classification Sherloc (09022015). Collection method: clinical testing. Allele origin: germline.
Comment: This sequence change replaces glutamine, which is neutral and polar, with lysine, which is basic and polar, at codon 702 of the RAD50 protein (p.Gln702Lys). This variant is not present in population databases (gnomAD no frequency). This variant has not been reported in the literature in individuals affected with RAD50-related conditions. ClinVar contains an entry for this variant (Variation ID: 216622). Advanced modeling of protein sequence and biophysical properties (such as structural, functional, and spatial information, amino acid conservation, physicochemical variation, residue mobility, and thermodynamic stability) performed at Invitae indicates that this missense variant is not expected to disrupt RAD50 protein function with a negative predictive value of 80%. In summary, the available evidence is currently insufficient to determine the role of this variant in disease. Therefore, it has been classified as a Variant of Uncertain Significance.

Literature cited by the submitters: PubMed 32832836 (cited by Ambry Genetics).

NM_005732.4(RAD50):c.2104C>A (p.Gln702Lys)

Gene: RAD50 (RAD50 double strand break repair protein; plus strand). Cytogenetic location: 5q31.1.
Variant type: single nucleotide variant.
Coding change: c.2104C>A on transcript NM_005732.4 (MANE Select); coding-DNA position 2104, C replaced by A.
Protein change: p.Gln702Lys; replaces glutamine 702 with lysine.
Molecular consequence: missense variant.
Genome position (GRCh38, 1-based): chr5:132,595,707, C>A. VCF-style: chr5-132595707-C-A. GRCh37 (hg19) VCF-style: chr5-131931399-C-A.
Other names: short protein forms Q702K.
Identifiers: ClinVar variation 216622 (VCV000216622.17), dbSNP rs759505248, ClinGen allele CA336534.